The following is an entry in ClinVar:

ClinVar aggregate classification (germline): Uncertain significance. Review status: criteria provided, multiple submitters, no conflicts (2 of 4 stars). 2 submissions from 2 submitters: Uncertain significance (2). Last evaluated 2024-05-15.

Conditions:
Primary ciliary dyskinesia. Also called: Ciliary dyskinesia. Identifiers: Orphanet 244, MedGen C0008780, MONDO:0016575, HP:0012265.

Allele frequency attached by ClinVar (database versions not stated): gnomAD 0.00001; gnomAD exomes 0.00001; TOPMed 0.00001.
gnomAD v4.1: 9 of 1,612,864 alleles (0.00056%); highest among the groups gnomAD compares: Non-Finnish European, 0.00068%; no homozygotes.

Submissions (2):

Ambry Genetics
Classification: Uncertain significance for Primary ciliary dyskinesia. Last evaluated: 2024-05-15. Review status: criteria provided, single submitter. Criteria: Ambry Variant Classification Scheme 2023. Collection method: clinical testing. Allele origin: germline.

Labcorp Genetics (formerly Invitae), Labcorp
Classification: Uncertain significance for Primary ciliary dyskinesia. Last evaluated: 2022-07-28. Review status: criteria provided, single submitter. Criteria: Invitae Variant Classification Sherloc (09022015). Collection method: clinical testing. Allele origin: germline.
Comment: This sequence change replaces asparagine, which is neutral and polar, with aspartic acid, which is acidic and polar, at codon 238 of the DNAI2 protein (p.Asn238Asp). This variant is not present in population databases (gnomAD no frequency). This variant has not been reported in the literature in individuals affected with DNAI2-related conditions. Algorithms developed to predict the effect of missense changes on protein structure and function are either unavailable or do not agree on the potential impact of this missense change (SIFT: "Deleterious"; PolyPhen-2: "Benign"; Align-GVGD: "Class C0"). In summary, the available evidence is currently insufficient to determine the role of this variant in disease. Therefore, it has been classified as a Variant of Uncertain Significance.

NM_023036.6(DNAI2):c.712A>G (p.Asn238Asp)

Gene: DNAI2 (dynein axonemal intermediate chain 2; plus strand). Cytogenetic location: 17q25.1.
Variant type: single nucleotide variant.
Coding change: c.712A>G on transcript NM_023036.6 (MANE Select); coding-DNA position 712, A replaced by G.
Protein change: p.Asn238Asp; replaces asparagine 238 with aspartic acid.
Molecular consequence: missense variant. On other transcripts: non-coding transcript variant (1).
Genome position (GRCh38, 1-based): chr17:74,291,121, A>G. VCF-style: chr17-74291121-A-G. GRCh37 (hg19) VCF-style: chr17-72287260-A-G.
Other names: c.712A>G, p.Asn238Asp (NM_001172810.3, NM_001353167.2); short protein forms N238D.
Identifiers: ClinVar variation 1757291 (VCV001757291.5), dbSNP rs1033678565, ClinGen allele CA293850105.